The following is an entry in ClinVar:

NM_022167.4(XYLT2):c.555C>T (p.Ile185=)

Gene: XYLT2 (xylosyltransferase 2; plus strand). Cytogenetic location: 17q21.33.
Variant type: single nucleotide variant.
Coding change: c.555C>T on transcript NM_022167.4 (MANE Select); coding-DNA position 555, C replaced by T.
Protein change: p.Ile185=; no amino-acid change (isoleucine 185 retained).
Molecular consequence: synonymous variant.
Genome position (GRCh38, 1-based): chr17:50,354,049, C>T. VCF-style: chr17-50354049-C-T. GRCh37 (hg19) VCF-style: chr17-48431410-C-T.
Identifiers: ClinVar variation 3905563 (VCV003905563.10).

ClinVar aggregate classification (germline): Likely benign (1 of 4 stars; one submission).

gnomAD v4.1: 4 of 1,608,386 alleles (0.00025%); highest among the groups gnomAD compares: Admixed American, 0.0017%; no homozygotes.

Submission:

CeGaT Center for Human Genetics Tuebingen
Classification: Likely benign. Last evaluated: 2025-06-01. Review status: criteria provided, single submitter. Criteria: CeGaT Center For Human Genetics Tuebingen Variant Classification Criteria Version 2. Collection method: clinical testing. Allele origin: germline. Affected: yes. Observed: 1 variant allele.
Comment: XYLT2: BP4, BP7